The following is an entry in ClinVar:

NM_001283009.2(RTEL1):c.1596-28T>C

Genes: RTEL1 (regulator of telomere elongation helicase 1; plus strand), RTEL1-TNFRSF6B (RTEL1-TNFRSF6B readthrough (NMD candidate); plus strand). Cytogenetic location: 20q13.33.
Variant type: single nucleotide variant.
Coding change: c.1596-28T>C on transcript NM_001283009.2 (MANE Select); 28 bases into the intron before coding-DNA position 1596, T replaced by C.
Molecular consequence: intron variant.
Genome position (GRCh38, 1-based): chr20:63,688,111, T>C. VCF-style: chr20-63688111-T-C. GRCh37 (hg19) VCF-style: chr20-62319464-T-C.
Other names: c.1596-28T>C (NM_016434.4); c.927-28T>C (NM_001283010.1); c.1668-28T>C (NM_032957.5).
Identifiers: ClinVar variation 1184747 (VCV001184747.7), dbSNP rs2738785, ClinGen allele CA9964865.
Genomic context (GRCh38, chr20:63,688,111, plus strand): 5'-GTGAGGGCCTGTCCCTGGGCCCTGCTGGGGTGGGAGGTGGGGGAGCACTGAGGCCTGAGG[T>C]CCTGAGCAGTGGCCTCTCCGGCTCTAGGTTTTCCGAGGAGTGCTTATCCTCCCTGGGGAA-3'

ClinVar aggregate classification (germline): Benign. Review status: criteria provided, multiple submitters, no conflicts (2 of 4 stars). 5 submissions from 4 submitters: Benign (5). Last evaluated 2024-01-24.

Conditions:
Pulmonary fibrosis and/or bone marrow failure, Telomere-related, 3. Also called: PULMONARY FIBROSIS AND/OR BONE MARROW FAILURE SYNDROME, TELOMERE-RELATED, 3. Identifiers: Orphanet 2032, MedGen C4225346, MONDO:0014613, OMIM 616373.
Dyskeratosis congenita, autosomal recessive 5 (DKCB5). Identifiers: MedGen C3554656, MONDO:0014076, OMIM 615190.

Allele frequency attached by ClinVar (database versions not stated): 1000 Genomes Project 0.71685; 1000 Genomes Project 30x 0.72517; gnomAD exomes 0.74066 and 0.75515; ExAC 0.74599; gnomAD 0.80364 and 0.81463; TOPMed 0.80393; ESP Exome Variant Server 0.82815.
gnomAD v4.1: 1,224,141 of 1,611,930 alleles (76%); highest among the groups gnomAD compares: African/African-American, 94%; 471,927 homozygotes.

Submissions (5):

Unidad de Genómica Garrahan, Hospital de Pediatría Garrahan
Classification: Benign. Last evaluated: 2024-01-24. Review status: criteria provided, single submitter. Criteria: ACMG Guidelines, 2015. Collection method: clinical testing. Allele origin: germline. Affected: no. Observed: 85 variant alleles.
Comment: This variant is classified as Benign based on local population frequency. This variant was detected in 89% of patients studied by a panel of primary immunodeficiencies. Number of patients: 85. Only high quality variants are reported.

Genome-Nilou Lab
Classification: Benign for Dyskeratosis congenita, autosomal recessive 5. Last evaluated: 2021-07-10. Review status: criteria provided, single submitter. Criteria: ACMG Guidelines, 2015. Collection method: clinical testing. Allele origin: germline. Affected: no.

Genome-Nilou Lab
Classification: Benign for Pulmonary fibrosis and/or bone marrow failure, Telomere-related, 3. Last evaluated: 2021-07-10. Review status: criteria provided, single submitter. Criteria: ACMG Guidelines, 2015. Collection method: clinical testing. Allele origin: germline. Affected: no.

GeneDx
Classification: Benign. Last evaluated: 2018-11-12. Review status: criteria provided, single submitter. Criteria: GeneDx Variant Classification Process June 2021. Collection method: clinical testing. Allele origin: germline. Affected: yes.

Breakthrough Genomics
Classification: Benign. Review status: criteria provided, single submitter. Criteria: ACMG Guidelines, 2015. Collection method: not provided. Allele origin: germline. Inheritance: Autosomal recessive inheritance. Affected: yes.